The following is an entry in ClinVar:

ClinVar aggregate classification (germline): Uncertain significance (1 of 4 stars; one submission).

Allele frequency attached by ClinVar (database versions not stated): ExAC 0.00002; TOPMed 0.00002; gnomAD 0.00005; ESP Exome Variant Server 0.00008.
gnomAD v4.1: 25 of 1,613,792 alleles (0.0015%); highest among the groups gnomAD compares: Middle Eastern, 0.051%; no homozygotes.

Submission:

Labcorp Genetics (formerly Invitae), Labcorp
Classification: Uncertain significance. Last evaluated: 2025-05-27. Review status: criteria provided, single submitter. Criteria: Invitae Variant Classification Sherloc (09022015). Collection method: clinical testing. Allele origin: germline.
Comment: This sequence change replaces isoleucine, which is neutral and non-polar, with threonine, which is neutral and polar, at codon 4081 of the HMCN1 protein (p.Ile4081Thr). This variant is present in population databases (rs373896888, gnomAD 0.006%). This variant has not been reported in the literature in individuals affected with HMCN1-related conditions. ClinVar contains an entry for this variant (Variation ID: 2168081). An algorithm developed to predict the effect of missense changes on protein structure and function (PolyPhen-2) suggests that this variant is likely to be disruptive. In summary, the available evidence is currently insufficient to determine the role of this variant in disease. Therefore, it has been classified as a Variant of Uncertain Significance.

NM_031935.3(HMCN1):c.12242T>C (p.Ile4081Thr)

Gene: HMCN1 (hemicentin 1; plus strand). Cytogenetic location: 1q31.1.
Variant type: single nucleotide variant.
Coding change: c.12242T>C on transcript NM_031935.3 (MANE Select); coding-DNA position 12242, T replaced by C.
Protein change: p.Ile4081Thr; replaces isoleucine 4081 with threonine.
Molecular consequence: missense variant.
Genome position (GRCh38, 1-based): chr1:186,122,963, T>C. VCF-style: chr1-186122963-T-C. GRCh37 (hg19) VCF-style: chr1-186092095-T-C.
Other names: short protein forms I4081T.
Identifiers: ClinVar variation 2168081 (VCV002168081.4), dbSNP rs373896888, ClinGen allele CA1294314.
Genomic context (GRCh38, chr1:186,122,963, plus strand): 5'-CATGCTTCTAAGATAAAGTTTGAACTTTATATTTTTTGTATATTTTAGTTCCTCCAGTCA[T>C]TAGCCCTCATCTAAAGGAATATGTTATTGCTGTGGACAAGCCCATCACGTTATCCTGTGA-3'
Protein context (NP_114141.2, residues 4071-4091): IKLNVQVPPV[Ile4081Thr]SPHLKEYVIA